The following is an entry in ClinVar:

ClinVar aggregate classification (germline): Uncertain significance (1 of 4 stars; one submission).

Allele frequency attached by ClinVar (database versions not stated): gnomAD exomes below 0.00001; ExAC 0.00001.
gnomAD v4.1: 1 of 1,614,134 alleles (0.000062%); highest among the groups gnomAD compares: East Asian, 0.0022%; no homozygotes.

Submission:

Labcorp Genetics (formerly Invitae), Labcorp
Classification: Uncertain significance. Last evaluated: 2023-07-07. Review status: criteria provided, single submitter. Criteria: Invitae Variant Classification Sherloc (09022015). Collection method: clinical testing. Allele origin: germline.
Comment: In summary, the available evidence is currently insufficient to determine the role of this variant in disease. Therefore, it has been classified as a Variant of Uncertain Significance. An algorithm developed to predict the effect of missense changes on protein structure and function (PolyPhen-2) suggests that this variant is likely to be tolerated. ClinVar contains an entry for this variant (Variation ID: 1056687). This variant has not been reported in the literature in individuals affected with ADAMTS18-related conditions. This variant is present in population databases (rs757575432, gnomAD 0.006%). This sequence change replaces aspartic acid, which is acidic and polar, with glycine, which is neutral and non-polar, at codon 152 of the ADAMTS18 protein (p.Asp152Gly).

NM_199355.4(ADAMTS18):c.455A>G (p.Asp152Gly)

Gene: ADAMTS18 (ADAM metallopeptidase with thrombospondin type 1 motif 18; minus strand). Cytogenetic location: 16q23.1.
Variant type: single nucleotide variant.
Coding change: c.455A>G on transcript NM_199355.4 (MANE Select); coding-DNA position 455, A replaced by G.
Protein change: p.Asp152Gly; replaces aspartic acid 152 with glycine.
Molecular consequence: missense variant. On other transcripts: 5 prime UTR variant (1).
Genome position (GRCh38, 1-based): chr16:77,431,335, T>C on the plus strand (A>G on the coding strand, the complement: ADAMTS18 is on the minus strand). VCF-style: chr16-77431335-T-C. GRCh37 (hg19) VCF-style: chr16-77465232-T-C.
Other names: c.-66A>G (NM_001326358.2); short protein forms D152G.
Identifiers: ClinVar variation 1056687 (VCV001056687.10), dbSNP rs757575432, ClinGen allele CA8181681.